The following is an entry in ClinVar:

NM_004082.5(DCTN1):c.1514C>T (p.Ala505Val)

Gene: DCTN1 (dynactin subunit 1; minus strand). Cytogenetic location: 2p13.1.
Variant type: single nucleotide variant.
Coding change: c.1514C>T on transcript NM_004082.5 (MANE Select); coding-DNA position 1514, C replaced by T.
Protein change: p.Ala505Val; replaces alanine 505 with valine.
Molecular consequence: missense variant. On other transcripts: non-coding transcript variant (1).
Genome position (GRCh38, 1-based): chr2:74,369,370, G>A on the plus strand (C>T on the coding strand, the complement: DCTN1 is on the minus strand). VCF-style: chr2-74369370-G-A. GRCh37 (hg19) VCF-style: chr2-74596497-G-A.
Other names: c.1454C>T, p.Ala485Val (NM_001135040.3); c.1112C>T, p.Ala371Val (NM_001135041.3, NM_023019.4); c.1403C>T, p.Ala468Val (NM_001190836.2); c.1493C>T, p.Ala498Val (NM_001190837.2); c.1463C>T, p.Ala488Val (NM_001378991.1); c.1445C>T, p.Ala482Val (NM_001378992.1); short protein forms A371V, A468V, A488V, A505V, A485V, A482V, A498V.
Identifiers: ClinVar variation 2010308 (VCV002010308.4), dbSNP rs1674660307, ClinGen allele CA347358090.
Genomic context (GRCh38, chr2:74,369,370, plus strand): 5'-GCGGTCAGCTGGCGGTACTTCTTGATGGTCTGCTGGTAGTCTGCAACCGTCTCCTGGGCT[G>A]CCTCCACACGCTTCTGGGCCTCACGAACCCGCGCGCCTGCCATGTCCAGCTGCTCCCGCA-3'
Protein context (NP_004073.2, residues 495-515): RVREAQKRVE[Ala505Val]AQETVADYQQ

ClinVar aggregate classification (germline): Uncertain significance (1 of 4 stars; one submission).

Conditions:
Amyotrophic lateral sclerosis type 1 (ALS1). Also called: AMYOTROPHIC LATERAL SCLEROSIS 1, FAMILIAL. Identifiers: Orphanet 803, MedGen C1862939, MONDO:0007103, OMIM 105400.
Perry syndrome. Also called: PARKINSONISM WITH ALVEOLAR HYPOVENTILATION AND MENTAL DEPRESSION. Identifiers: Orphanet 178509, MedGen C1868594, MONDO:0008201, OMIM 168605.
Neuronopathy, distal hereditary motor, type 7B. Also called: Distal Hereditary Motor Neuronopathy Type 7B (dHMN7B); HMN VIIB; LOWER MOTOR NEURON DISEASE, DYNACTIN TYPE; NEURONOPATHY, DISTAL HEREDITARY MOTOR, AUTOSOMAL DOMINANT 14; NEURONOPATHY, DISTAL HEREDITARY MOTOR, HARDING TYPE VIIB; NEUROPATHY, DISTAL HEREDITARY MOTOR, HARDING TYPE VIIB. Identifiers: Orphanet 139589, MedGen C1843315, MONDO:0011879, OMIM 607641.

Submission:

Labcorp Genetics (formerly Invitae), Labcorp
Classification: Uncertain significance for Amyotrophic lateral sclerosis type 1; Neuronopathy, distal hereditary motor, type 7B; Perry syndrome. Last evaluated: 2024-05-13. Review status: criteria provided, single submitter. Criteria: Invitae Variant Classification Sherloc (09022015). Collection method: clinical testing. Allele origin: germline.
Comment: This sequence change replaces alanine, which is neutral and non-polar, with valine, which is neutral and non-polar, at codon 505 of the DCTN1 protein (p.Ala505Val). This variant is not present in population databases (gnomAD no frequency). This variant has not been reported in the literature in individuals affected with DCTN1-related conditions. ClinVar contains an entry for this variant (Variation ID: 2010308). Advanced modeling of protein sequence and biophysical properties (such as structural, functional, and spatial information, amino acid conservation, physicochemical variation, residue mobility, and thermodynamic stability) has been performed at Invitae for this missense variant, however the output from this modeling did not meet the statistical confidence thresholds required to predict the impact of this variant on DCTN1 protein function. In summary, the available evidence is currently insufficient to determine the role of this variant in disease. Therefore, it has been classified as a Variant of Uncertain Significance.